The following is an entry in ClinVar:

NM_001244710.2(GFPT1):c.1898G>A (p.Arg633Gln)

Gene: GFPT1 (glutamine--fructose-6-phosphate transaminase 1; minus strand). Cytogenetic location: 2p13.3.
Variant type: single nucleotide variant.
Coding change: c.1898G>A on transcript NM_001244710.2 (MANE Select); coding-DNA position 1898, G replaced by A.
Protein change: p.Arg633Gln; replaces arginine 633 with glutamine.
Molecular consequence: missense variant.
Genome position (GRCh38, 1-based): chr2:69,327,071, C>T on the plus strand (G>A on the coding strand, the complement: GFPT1 is on the minus strand). VCF-style: chr2-69327071-C-T. GRCh37 (hg19) VCF-style: chr2-69554203-C-T.
Other names: c.1844G>A, p.Arg615Gln (NM_002056.4); short protein forms R633Q, R615Q.
Identifiers: ClinVar variation 1485531 (VCV001485531.8), dbSNP rs2104595615, ClinGen allele CA347421795.

ClinVar aggregate classification (germline): Uncertain significance (1 of 4 stars; one submission).

Conditions:
Congenital myasthenic syndrome 12 (CMS12). Also called: MYASTHENIC SYNDROME, CONGENITAL, WITH TUBULAR AGGREGATES 1; Myasthenia, congenital, 12, with tubular aggregates. Identifiers: Orphanet 353327, Orphanet 590, MedGen C3552335, MONDO:0012518, OMIM 610542.

Allele frequency attached by ClinVar (database versions not stated): gnomAD exomes below 0.00001.
gnomAD v4.1: 1 of 1,613,896 alleles (0.000062%); highest among the groups gnomAD compares: Non-Finnish European, 0.000085%; no homozygotes.

Submission:

Labcorp Genetics (formerly Invitae), Labcorp
Classification: Uncertain significance for Congenital myasthenic syndrome 12. Last evaluated: 2023-07-07. Review status: criteria provided, single submitter. Criteria: Invitae Variant Classification Sherloc (09022015). Collection method: clinical testing. Allele origin: germline.
Comment: ClinVar contains an entry for this variant (Variation ID: 1485531). In summary, the available evidence is currently insufficient to determine the role of this variant in disease. Therefore, it has been classified as a Variant of Uncertain Significance. Advanced modeling of protein sequence and biophysical properties (such as structural, functional, and spatial information, amino acid conservation, physicochemical variation, residue mobility, and thermodynamic stability) performed at Invitae indicates that this missense variant is not expected to disrupt GFPT1 protein function. This variant has not been reported in the literature in individuals affected with GFPT1-related conditions. This variant is not present in population databases (gnomAD no frequency). This sequence change replaces arginine, which is basic and polar, with glutamine, which is neutral and polar, at codon 633 of the GFPT1 protein (p.Arg633Gln).